The following is an entry in ClinVar:

ClinVar aggregate classification (germline): Pathogenic (1 of 4 stars; one submission).

Conditions:
Familial thoracic aortic aneurysm and aortic dissection (TAAD). Also called: Thoracic aortic aneurysms and dissections. Identifiers: Orphanet 91387, MedGen C4707243, MONDO:0019625.

Submission:

Ambry Genetics
Classification: Pathogenic for Familial thoracic aortic aneurysm and aortic dissection. Last evaluated: 2024-04-12. Review status: criteria provided, single submitter. Criteria: Ambry Variant Classification Scheme 2023. Collection method: clinical testing. Allele origin: germline.
Comment: The c.2798delA (p.K933Rfs*141) alteration, located in exon 34 (coding exon 34) of the COL5A1 gene, consists of a deletion of one nucleotide at position 2798, causing a translational frameshift with a predicted alternate stop codon after 141 amino acids. This alteration is expected to result in loss of function by premature protein truncation or nonsense-mediated mRNA decay. This variant was not reported in population-based cohorts in the Genome Aggregation Database (gnomAD). Based on the available evidence, this alteration is classified as pathogenic.

NM_000093.5(COL5A1):c.2798del (p.Lys933fs)

Gene: COL5A1 (collagen type V alpha 1 chain; plus strand). Cytogenetic location: 9q34.3.
Variant type: Deletion.
Coding change: c.2798del on transcript NM_000093.5 (MANE Select); coding-DNA position 2798, one base deleted (A; older notation c.2798delA).
Protein change: p.Lys933fs; shifts the reading frame from lysine 933.
Molecular consequence: frameshift variant.
Genome position (GRCh38, 1-based): chr9:134,795,314, A deleted; the last of 2 consecutive A bases (chr9:134,795,313-134,795,314); deleting either gives the same sequence. VCF-style (leftmost placement, unchanged base first): chr9-134795312-CA-C. GRCh37 (hg19) VCF-style: chr9-137687158-CA-C.
Other names: c.2798del, p.Lys933fs (NM_001278074.1); short protein forms K933fs.
Identifiers: ClinVar variation 3268759 (VCV003268759.1).